The following is an entry in ClinVar:

NM_018075.5(ANO10):c.963C>T (p.Phe321=)

Gene: ANO10 (anoctamin 10; minus strand). Cytogenetic location: 3p22.1.
Variant type: single nucleotide variant.
Coding change: c.963C>T on transcript NM_018075.5 (MANE Select); coding-DNA position 963, C replaced by T.
Protein change: p.Phe321=; no amino-acid change (phenylalanine 321 retained).
Molecular consequence: synonymous variant. On other transcripts: intron variant (1).
Genome position (GRCh38, 1-based): chr3:43,576,891, G>A on the plus strand (C>T on the coding strand, the complement: ANO10 is on the minus strand). VCF-style: chr3-43576891-G-A. GRCh37 (hg19) VCF-style: chr3-43618383-G-A.
Other names: c.963C>T, p.Phe321= (NM_001204831.3, NM_001346463.2, NM_001346464.2 and 3 more transcripts); c.765C>T, p.Phe255= (NM_001204832.3, NM_001346466.2, NM_001346469.2); c.630C>T, p.Phe210= (NM_001204833.3); c.593-2027C>T (NM_001204834.3).
Identifiers: ClinVar variation 994504 (VCV000994504.34), dbSNP rs149196477, ClinGen allele CA2340914.

ClinVar aggregate classification (germline): Benign/Likely benign. Review status: criteria provided, multiple submitters, no conflicts (2 of 4 stars). 4 submissions from 4 submitters: Benign (2); Likely benign (2). Last evaluated 2026-01-26.

Allele frequency attached by ClinVar (database versions not stated): gnomAD exomes 0.00012 and 0.00028; ExAC 0.00040; gnomAD 0.00087 and 0.00097; 1000 Genomes Project 0.00100; TOPMed 0.00106; 1000 Genomes Project 30x 0.00109; ESP Exome Variant Server 0.00223.
gnomAD v4.1: 332 of 1,614,154 alleles (0.021%); highest among the groups gnomAD compares: African/African-American, 0.3%; 1 homozygote.

Submissions (4):

Labcorp Genetics (formerly Invitae), Labcorp
Classification: Benign. Last evaluated: 2026-01-26. Review status: criteria provided, single submitter. Criteria: Invitae Variant Classification Sherloc (09022015). Collection method: clinical testing. Allele origin: germline.

Blueprint Genetics
Classification: Likely benign. Last evaluated: 2024-10-23. Review status: criteria provided, single submitter. Criteria: ACMG Guidelines, 2015. Collection method: clinical testing. Allele origin: germline.

CeGaT Center for Human Genetics Tuebingen
Classification: Likely benign. Last evaluated: 2024-07-01. Review status: criteria provided, single submitter. Criteria: CeGaT Center For Human Genetics Tuebingen Variant Classification Criteria Version 2. Collection method: clinical testing. Allele origin: germline. Affected: yes. Observed: 4 variant alleles.
Comment: ANO10: BP4, BP7

Athena Diagnostics
Classification: Benign. Last evaluated: 2023-11-29. Review status: criteria provided, single submitter. Criteria: Athena Diagnostics Criteria. Collection method: clinical testing. Allele origin: unknown.